The following is an entry in ClinVar:

NM_000321.3(RB1):c.1772C>T (p.Pro591Leu)

Gene: RB1 (RB transcriptional corepressor 1; plus strand). Cytogenetic location: 13q14.2.
Variant type: single nucleotide variant.
Coding change: c.1772C>T on transcript NM_000321.3 (MANE Select); coding-DNA position 1772, C replaced by T.
Protein change: p.Pro591Leu; replaces proline 591 with leucine.
Molecular consequence: missense variant.
Genome position (GRCh38, 1-based): chr13:48,453,069, C>T. VCF-style: chr13-48453069-C-T. GRCh37 (hg19) VCF-style: chr13-49027205-C-T.
Other names: short protein forms P591L.
Identifiers: ClinVar variation 571216 (VCV000571216.12), dbSNP rs1221157259, ClinGen allele CA388165583.

ClinVar aggregate classification (germline): Uncertain significance. Review status: criteria provided, multiple submitters, no conflicts (2 of 4 stars). 3 submissions from 3 submitters: Uncertain significance (3). Last evaluated 2024-04-29.

Conditions:
Retinoblastoma (RB1). Also called: RETINOBLASTOMA, SOMATIC. Identifiers: Orphanet 790, MedGen C0035335, MeSH D012175, MONDO:0008380, OMIM 180200, HP:0009919. Disease mechanism: loss of function. Inheritance: Both sporadic and heritable forms are tested..
Malignant tumor of urinary bladder. Also called: Bladder cancer; Urinary bladder cancer; Urinary Bladder Neoplasms. Identifiers: MedGen C0005684, MONDO:0001187, OMIM 109800.
Hereditary cancer-predisposing syndrome. Also called: Hereditary neoplastic syndrome; Tumor predisposition; Neoplastic Syndromes, Hereditary; Hereditary Cancer Syndrome. Identifiers: Orphanet 140162, MedGen C0027672, MeSH D009386, MONDO:0015356.

Allele frequency attached by ClinVar (database versions not stated): gnomAD exomes below 0.00001.
gnomAD v4.1: 9 of 1,613,084 alleles (0.00056%); highest among the groups gnomAD compares: Non-Finnish European, 0.00076%; no homozygotes.

Submissions (3):

Labcorp Genetics (formerly Invitae), Labcorp
Classification: Uncertain significance for Retinoblastoma. Last evaluated: 2024-04-29. Review status: criteria provided, single submitter. Criteria: Invitae Variant Classification Sherloc (09022015). Collection method: clinical testing. Allele origin: germline.
Comment: This sequence change replaces proline, which is neutral and non-polar, with leucine, which is neutral and non-polar, at codon 591 of the RB1 protein (p.Pro591Leu). This variant is present in population databases (no rsID available, gnomAD 0.0009%). This variant has not been reported in the literature in individuals affected with RB1-related conditions. ClinVar contains an entry for this variant (Variation ID: 571216). Advanced modeling of protein sequence and biophysical properties (such as structural, functional, and spatial information, amino acid conservation, physicochemical variation, residue mobility, and thermodynamic stability) performed at Invitae indicates that this missense variant is not expected to disrupt RB1 protein function with a negative predictive value of 80%. In summary, the available evidence is currently insufficient to determine the role of this variant in disease. Therefore, it has been classified as a Variant of Uncertain Significance.

Ambry Genetics
Classification: Uncertain significance for Hereditary cancer-predisposing syndrome. Last evaluated: 2023-10-19. Review status: criteria provided, single submitter. Criteria: Ambry Variant Classification Scheme 2023. Collection method: clinical testing. Allele origin: germline.
Comment: The p.P591L variant (also known as c.1772C>T), located in coding exon 18 of the RB1 gene, results from a C to T substitution at nucleotide position 1772. The proline at codon 591 is replaced by leucine, an amino acid with similar properties. This amino acid position is poorly conserved in available vertebrate species. In addition, this alteration is predicted to be tolerated by in silico analysis. Since supporting evidence is limited at this time, the clinical significance of this alteration remains unclear.

Baylor Genetics
Classification: Uncertain significance for Malignant tumor of urinary bladder. Last evaluated: 2023-05-18. Review status: criteria provided, single submitter. Criteria: ACMG Guidelines, 2015. Collection method: clinical testing. Allele origin: unknown.